The following is an entry in ClinVar:

NM_001286577.2(C2CD3):c.6462T>C (p.Cys2154=)

Gene: C2CD3 (C2 domain containing 3 centriole elongation regulator; minus strand). Cytogenetic location: 11q13.4.
Variant type: single nucleotide variant.
Coding change: c.6462T>C on transcript NM_001286577.2 (MANE Select); coding-DNA position 6462, T replaced by C.
Protein change: p.Cys2154=; no amino-acid change (cysteine 2154 retained).
Molecular consequence: synonymous variant.
Genome position (GRCh38, 1-based): chr11:74,033,698, A>G on the plus strand (T>C on the coding strand, the complement: C2CD3 is on the minus strand). VCF-style: chr11-74033698-A-G. GRCh37 (hg19) VCF-style: chr11-73744743-A-G.
Identifiers: ClinVar variation 3031041 (VCV003031041.2), dbSNP rs1057198361, ClinGen allele CA224505603.

ClinVar aggregate classification (germline): Likely benign (0 of 4 stars; one submission).

Conditions:
C2CD3-related disorder. Also called: C2CD3-related condition.

Allele frequency attached by ClinVar (database versions not stated): gnomAD exomes 0.00001; TOPMed 0.00001.
gnomAD v4.1: 3 of 1,536,322 alleles (0.0002%); highest among the groups gnomAD compares: Non-Finnish European, 0.00026%; no homozygotes.

Submission:

PreventionGenetics, part of Exact Sciences
Classification: Likely benign for C2CD3-related condition. Last evaluated: 2021-10-04. Review status: no assertion criteria provided. Collection method: clinical testing. Allele origin: germline.
Comment: This variant is classified as likely benign based on ACMG/AMP sequence variant interpretation guidelines (Richards et al. 2015 PMID: 25741868, with internal and published modifications).